The following is an entry in ClinVar:

NM_015072.5(TTLL5):c.3812C>G (p.Thr1271Ser)

Gene: TTLL5 (tubulin tyrosine ligase like 5; plus strand). Cytogenetic location: 14q24.3.
Variant type: single nucleotide variant.
Coding change: c.3812C>G on transcript NM_015072.5 (MANE Select); coding-DNA position 3812, C replaced by G.
Protein change: p.Thr1271Ser; replaces threonine 1271 with serine.
Molecular consequence: missense variant.
Genome position (GRCh38, 1-based): chr14:75,902,213, C>G. VCF-style: chr14-75902213-C-G. GRCh37 (hg19) VCF-style: chr14-76368556-C-G.
Other names: short protein forms T1271S.
Identifiers: ClinVar variation 1390640 (VCV001390640.6), dbSNP rs1566652888, ClinGen allele CA390538748.

ClinVar aggregate classification (germline): Uncertain significance (1 of 4 stars; one submission).

Submission:

Labcorp Genetics (formerly Invitae), Labcorp
Classification: Uncertain significance. Last evaluated: 2021-12-15. Review status: criteria provided, single submitter. Criteria: Invitae Variant Classification Sherloc (09022015). Collection method: clinical testing. Allele origin: germline.
Comment: In summary, the available evidence is currently insufficient to determine the role of this variant in disease. Therefore, it has been classified as a Variant of Uncertain Significance. Algorithms developed to predict the effect of sequence changes on RNA splicing suggest that this variant may create or strengthen a splice site. Algorithms developed to predict the effect of missense changes on protein structure and function (SIFT, PolyPhen-2, Align-GVGD) all suggest that this variant is likely to be tolerated. This variant has not been reported in the literature in individuals affected with TTLL5-related conditions. This variant is not present in population databases (gnomAD no frequency). This sequence change replaces threonine, which is neutral and polar, with serine, which is neutral and polar, at codon 1271 of the TTLL5 protein (p.Thr1271Ser).